The following is an entry in ClinVar:

ClinVar aggregate classification (germline): Likely pathogenic (1 of 4 stars; one submission).

Conditions:
Metaphyseal chondrodysplasia, Spahr type (MDST). Identifiers: Orphanet 2501, MedGen C0432225, MONDO:0009597, OMIM 250400.

Submission:

First Genomix Gene Laboratory, Genetic Diagnostics Department
Classification: Likely pathogenic for Metaphyseal chondrodysplasia, Spahr type. Last evaluated: 2025-08-07. Review status: criteria provided, single submitter. Criteria: ACMG Guidelines, 2015. Collection method: clinical testing. Allele origin: germline. Inheritance: Autosomal recessive inheritance. Affected: no. Observed: 1 variant allele.

NM_002427.4(MMP13):c.208G>A (p.Glu70Lys)

Genes: MMP13 (matrix metallopeptidase 13; minus strand), LOC126861318 (BRD4-independent group 4 enhancer GRCh37_chr11:102825894-102827093; plus strand). Cytogenetic location: 11q22.2.
Variant type: single nucleotide variant.
Coding change: c.208G>A on transcript NM_002427.4 (MANE Select); coding-DNA position 208, G replaced by A.
Protein change: p.Glu70Lys; replaces glutamic acid 70 with lysine.
Molecular consequence: missense variant.
Genome position (GRCh38, 1-based): chr11:102,955,406, C>T on the plus strand (G>A on the coding strand, the complement: MMP13 is on the minus strand). VCF-style: chr11-102955406-C-T. GRCh37 (hg19) VCF-style: chr11-102826135-C-T.
Other names: short protein forms E70K.
Identifiers: ClinVar variation 4850597 (VCV004850597.1).